The following is an entry in ClinVar:

NM_001367721.1(CASK):c.2771G>A (p.Trp924Ter)

Genes: CASK (calcium/calmodulin dependent serine protein kinase; minus strand), CASK-AS1 (CASK antisense RNA 1; plus strand). Cytogenetic location: Xp11.4.
Variant type: single nucleotide variant.
Coding change: c.2771G>A on transcript NM_001367721.1 (MANE Select); coding-DNA position 2771, G replaced by A.
Protein change: p.Trp924Ter; replaces tryptophan 924 with a stop codon.
Molecular consequence: nonsense.
Genome position (GRCh38, 1-based): chrX:41,520,430, C>T on the plus strand (G>A on the coding strand, the complement: CASK is on the minus strand). VCF-style: chrX-41520430-C-T. GRCh37 (hg19) VCF-style: chrX-41379683-C-T.
Other names: c.2687G>A, p.Trp896Ter (NM_001126054.3); c.2684G>A, p.Trp895Ter (NM_001126055.3); c.2753G>A, p.Trp918Ter (NM_001410745.1); c.2756G>A, p.Trp919Ter (NM_003688.4); short protein forms W895*, W896*, W918*, W919*, W924*.
Identifiers: ClinVar variation 4690287 (VCV004690287.1).

ClinVar aggregate classification (germline): VUS-high (1 of 4 stars; one submission).

Conditions:
FG syndrome 4 (FGS4). Identifiers: MedGen C1845546, MONDO:0010318, OMIM 300422.

Submission:

Ozbek Human Genetics Laboratory, Izmir Biomedicine and Genome Center
Classification: VUS-high for FG syndrome 4. Review status: criteria provided, single submitter. Criteria: ACMG Guidelines, 2015. Collection method: research. Allele origin: maternal. Inheritance: X-linked inheritance. Affected: yes. Observed: 1 hemizygote.
Comment: Data obtained via the RAREBOOST project (Horizon 2020 ERA Chairs at Izmir Biomedicine and Genome Center - IBG)